The following is an entry in ClinVar:

NM_001323289.2(CDKL5):c.1314C>A (p.Ser438Arg)

Gene: CDKL5 (cyclin dependent kinase like 5; plus strand). Cytogenetic location: Xp22.13.
Variant type: single nucleotide variant.
Coding change: c.1314C>A on transcript NM_001323289.2 (MANE Select); coding-DNA position 1314, C replaced by A.
Protein change: p.Ser438Arg; replaces serine 438 with arginine.
Molecular consequence: missense variant.
Genome position (GRCh38, 1-based): chrX:18,604,238, C>A. VCF-style: chrX-18604238-C-A. GRCh37 (hg19) VCF-style: chrX-18622358-C-A.
Other names: c.1314C>A, p.Ser438Arg (NM_001037343.2, NM_003159.3); short protein forms S438R.
Identifiers: ClinVar variation 2953907 (VCV002953907.3), dbSNP rs2518874147, ClinGen allele CA412360398.
Genomic context (GRCh38, chrX:18,604,238, plus strand): 5'-TTTTAATATTGACCCAAAGCCTTCAGAAGGCCCAGGGACAAAGTACCTCAAGTCAAACAG[C>A]AGATCTCAGCAGAACCGCCACTCATTCATGGAAAGCTCTCAAAGCAAAGCTGGGACACTG-3'
Protein context (NP_001310218.1, residues 428-448): GPGTKYLKSN[Ser438Arg]RSQQNRHSFM

ClinVar aggregate classification (germline): Uncertain significance (1 of 4 stars; one submission).

Conditions:
Developmental and epileptic encephalopathy, 2 (DEE2). Also called: INFANTILE SPASM SYNDROME, X-LINKED 2; CDKL5 deficiency disorder. Identifiers: Orphanet 1934, Orphanet 3451, Orphanet 505652, MedGen C4750718, MONDO:0010396, OMIM 300672.
Angelman syndrome-like. Identifiers: MedGen CN128785.

Submission:

Labcorp Genetics (formerly Invitae), Labcorp
Classification: Uncertain significance for Developmental and epileptic encephalopathy, 2; Angelman syndrome-like. Last evaluated: 2023-11-15. Review status: criteria provided, single submitter. Criteria: Invitae Variant Classification Sherloc (09022015). Collection method: clinical testing. Allele origin: germline.
Comment: This sequence change replaces serine, which is neutral and polar, with arginine, which is basic and polar, at codon 438 of the CDKL5 protein (p.Ser438Arg). This variant is not present in population databases (gnomAD no frequency). This variant has not been reported in the literature in individuals affected with CDKL5-related conditions. Advanced modeling of protein sequence and biophysical properties (such as structural, functional, and spatial information, amino acid conservation, physicochemical variation, residue mobility, and thermodynamic stability) performed at Invitae indicates that this missense variant is not expected to disrupt CDKL5 protein function with a negative predictive value of 95%. In summary, the available evidence is currently insufficient to determine the role of this variant in disease. Therefore, it has been classified as a Variant of Uncertain Significance.